The following is an entry in ClinVar:

ClinVar aggregate classification (germline): Uncertain significance (1 of 4 stars; one submission).

Allele frequency attached by ClinVar (database versions not stated): TOPMed below 0.00001.

Submission:

Labcorp Genetics (formerly Invitae), Labcorp
Classification: Uncertain significance. Last evaluated: 2022-01-31. Review status: criteria provided, single submitter. Criteria: Invitae Variant Classification Sherloc (09022015). Collection method: clinical testing. Allele origin: germline.
Comment: This variant is not present in population databases (gnomAD no frequency). In summary, the available evidence is currently insufficient to determine the role of this variant in disease. Therefore, it has been classified as a Variant of Uncertain Significance. Algorithms developed to predict the effect of sequence changes on RNA splicing suggest that this variant may disrupt the consensus splice site. Algorithms developed to predict the effect of missense changes on protein structure and function (SIFT, PolyPhen-2, Align-GVGD) all suggest that this variant is likely to be disruptive. This variant has not been reported in the literature in individuals affected with SCLT1-related conditions. This sequence change replaces arginine, which is basic and polar, with glycine, which is neutral and non-polar, at codon 229 of the SCLT1 protein (p.Arg229Gly).

NM_144643.4(SCLT1):c.685A>G (p.Arg229Gly)

Gene: SCLT1 (sodium channel and clathrin linker 1; minus strand). Cytogenetic location: 4q28.2.
Variant type: single nucleotide variant.
Coding change: c.685A>G on transcript NM_144643.4 (MANE Select); coding-DNA position 685, A replaced by G.
Protein change: p.Arg229Gly; replaces arginine 229 with glycine.
Molecular consequence: missense variant.
Genome position (GRCh38, 1-based): chr4:128,992,168, T>C on the plus strand (A>G on the coding strand, the complement: SCLT1 is on the minus strand). VCF-style: chr4-128992168-T-C. GRCh37 (hg19) VCF-style: chr4-129913323-T-C.
Other names: c.685A>G, p.Arg229Gly (NM_001410807.1); short protein forms R229G.
Identifiers: ClinVar variation 2088680 (VCV002088680.4), dbSNP rs571748875, ClinGen allele CA105757751.